The following is an entry in ClinVar:

ClinVar aggregate classification (germline): Benign. Review status: criteria provided, multiple submitters, no conflicts (2 of 4 stars). 3 submissions from 3 submitters: Benign (2). 1 of the submissions does not count toward it. Last evaluated 2026-02-04.

Conditions:
SIAE-related disorder. Also called: SIAE-related condition.

Allele frequency attached by ClinVar (database versions not stated): gnomAD 0.17671 and 0.18595; ESP Exome Variant Server 0.19054; 1000 Genomes Project 0.20667; 1000 Genomes Project 30x 0.21596; gnomAD exomes 0.06673 and 0.04143; ExAC 0.07562; TOPMed 0.19870.
gnomAD v4.1: 89,002 of 1,613,912 alleles (5.5%); highest among the groups gnomAD compares: African/African-American, 55%; 12,958 homozygotes.

Submissions (3):

Labcorp Genetics (formerly Invitae), Labcorp
Classification: Benign. Last evaluated: 2026-02-04. Review status: criteria provided, single submitter. Criteria: Invitae Variant Classification Sherloc (09022015). Collection method: clinical testing. Allele origin: germline.

Breakthrough Genomics
Classification: Benign. Review status: criteria provided, single submitter. Criteria: ACMG Guidelines, 2015. Collection method: not provided. Allele origin: germline. Inheritance: Unknown mechanism. Affected: yes.

PreventionGenetics, part of Exact Sciences
Classification: Benign for SIAE-related condition. Last evaluated: 2019-11-14. Review status: no assertion criteria provided. Collection method: clinical testing. Allele origin: germline. Not counted in ClinVar's aggregate classification.
Comment: This variant is classified as benign based on ACMG/AMP sequence variant interpretation guidelines (Richards et al. 2015 PMID: 25741868, with internal and published modifications).

NM_170601.5(SIAE):c.468T>C (p.Ser156=)

Gene: SIAE (sialic acid acetylesterase; minus strand). Cytogenetic location: 11q24.2.
Variant type: single nucleotide variant.
Coding change: c.468T>C on transcript NM_170601.5 (MANE Select); coding-DNA position 468, T replaced by C.
Protein change: p.Ser156=; no amino-acid change (serine 156 retained).
Molecular consequence: synonymous variant.
Genome position (GRCh38, 1-based): chr11:124,654,731, A>G on the plus strand (T>C on the coding strand, the complement: SIAE is on the minus strand). VCF-style: chr11-124654731-A-G. GRCh37 (hg19) VCF-style: chr11-124524627-A-G.
Other names: c.363T>C, p.Ser121= (NM_001199922.2); c.468T>C (NM_170601.4).
Identifiers: ClinVar variation 1168499 (VCV001168499.12), dbSNP rs1942663, ClinGen allele CA6341514.